The following is an entry in ClinVar:

ClinVar aggregate classification (germline): Benign/Likely benign. Review status: criteria provided, multiple submitters, no conflicts (2 of 4 stars). 3 submissions from 3 submitters: Benign (1); Likely benign (1). 1 of the submissions does not count toward it. Last evaluated 2022-12-01.

Conditions:
KDM3A-related disorder. Also called: KDM3A-related condition.

Allele frequency attached by ClinVar (database versions not stated): 1000 Genomes Project 0.00060; 1000 Genomes Project 30x 0.00078; gnomAD 0.00153 and 0.00158; ExAC 0.00154; TOPMed 0.00154; gnomAD exomes 0.00158 and 0.00235; ESP Exome Variant Server 0.00223.
gnomAD v4.1: 3,629 of 1,613,764 alleles (0.22%); highest among the groups gnomAD compares: Non-Finnish European, 0.29%; 7 homozygotes.

Submissions (3):

CeGaT Center for Human Genetics Tuebingen
Classification: Likely benign. Last evaluated: 2022-12-01. Review status: criteria provided, single submitter. Criteria: CeGaT Center For Human Genetics Tuebingen Variant Classification Criteria Version 2. Collection method: clinical testing. Allele origin: germline. Affected: yes. Observed: 1 variant allele.
Comment: KDM3A: BP4, BP7, BS2

Labcorp Genetics (formerly Invitae), Labcorp
Classification: Benign. Last evaluated: 2017-10-25. Review status: criteria provided, single submitter. Criteria: Invitae Variant Classification Sherloc (09022015). Collection method: clinical testing. Allele origin: germline.

PreventionGenetics, part of Exact Sciences
Classification: Likely benign for KDM3A-related condition. Last evaluated: 2019-07-09. Review status: no assertion criteria provided. Collection method: clinical testing. Allele origin: germline. Not counted in ClinVar's aggregate classification.
Comment: This variant is classified as likely benign based on ACMG/AMP sequence variant interpretation guidelines (Richards et al. 2015 PMID: 25741868, with internal and published modifications).

NM_018433.6(KDM3A):c.3847C>T (p.Leu1283=)

Gene: KDM3A (lysine demethylase 3A; plus strand). Cytogenetic location: 2p11.2.
Variant type: single nucleotide variant.
Coding change: c.3847C>T on transcript NM_018433.6 (MANE Select); coding-DNA position 3847, C replaced by T.
Protein change: p.Leu1283=; no amino-acid change (leucine 1283 retained).
Molecular consequence: synonymous variant.
Genome position (GRCh38, 1-based): chr2:86,491,237, C>T. VCF-style: chr2-86491237-C-T. GRCh37 (hg19) VCF-style: chr2-86718360-C-T.
Other names: c.3847C>T (NM_018433.5); c.3847C>T, p.Leu1283= (NM_001146688.2).
Identifiers: ClinVar variation 714613 (VCV000714613.28), dbSNP rs61750310, ClinGen allele CA1750012.